The following is an entry in ClinVar:

ClinVar aggregate classification (germline): Uncertain significance (1 of 4 stars; one submission).

gnomAD v4.1: 1 of 1,613,444 alleles (0.000062%); highest among the groups gnomAD compares: Non-Finnish European, 0.000085%; no homozygotes.

Submission:

GeneDx
Classification: Uncertain significance. Last evaluated: 2019-10-02. Review status: criteria provided, single submitter. Criteria: GeneDx Variant Classification Process June 2021. Collection method: clinical testing. Allele origin: germline. Affected: yes.
Comment: Not observed in large population cohorts (Lek et al., 2016); In silico analysis, which includes protein predictors and evolutionary conservation, supports a deleterious effect; Has not been previously published as pathogenic or benign to our knowledge

NM_000719.7(CACNA1C):c.2302G>A (p.Glu768Lys)

Gene: CACNA1C (calcium voltage-gated channel subunit alpha1 C; plus strand). Cytogenetic location: 12p13.33.
Variant type: single nucleotide variant.
Coding change: c.2302G>A on transcript NM_000719.7 (MANE Select); coding-DNA position 2302, G replaced by A.
Protein change: p.Glu768Lys; replaces glutamic acid 768 with lysine.
Molecular consequence: missense variant.
Genome position (GRCh38, 1-based): chr12:2,584,580, G>A. VCF-style: chr12-2584580-G-A. GRCh37 (hg19) VCF-style: chr12-2693746-G-A.
Other names: c.2302G>A, p.Glu768Lys (NM_001129827.2, NM_001129829.2, NM_001129830.3 and 18 more transcripts); c.2293G>A, p.Glu765Lys (NM_001129844.2); short protein forms E765K, E768K.
Identifiers: ClinVar variation 1308806 (VCV001308806.2), dbSNP rs2153229485, ClinGen allele CA383371503.